The following is an entry in ClinVar:

ClinVar aggregate classification (germline): Likely benign (1 of 4 stars; one submission).

Allele frequency attached by ClinVar (database versions not stated): TOPMed 0.00002; gnomAD 0.00003; gnomAD exomes 0.00002; ExAC 0.00002.
gnomAD v4.1: 33 of 1,418,918 alleles (0.0023%); highest among the groups gnomAD compares: Admixed American, 0.0053%; no homozygotes.

Submission:

GeneDx
Classification: Likely benign. Last evaluated: 2016-05-17. Review status: criteria provided, single submitter. Criteria: GeneDx Variant Classification (06012015). Collection method: clinical testing. Allele origin: germline. Affected: yes.
Comment: This variant is considered likely benign or benign based on one or more of the following criteria: it is a conservative change, it occurs at a poorly conserved position in the protein, it is predicted to be benign by multiple in silico algorithms, and/or has population frequency not consistent with disease.

NM_152713.5(STT3A):c.-34T>C

Gene: STT3A (STT3 oligosaccharyltransferase complex catalytic subunit A; plus strand). Cytogenetic location: 11q24.2.
Variant type: single nucleotide variant.
Coding change: c.-34T>C on transcript NM_152713.5 (MANE Select); 34 bases upstream of the start codon, T replaced by C.
Molecular consequence: 5 prime UTR variant. On other transcripts: intron variant (1).
Genome position (GRCh38, 1-based): chr11:125,595,882, T>C. VCF-style: chr11-125595882-T-C. GRCh37 (hg19) VCF-style: chr11-125465777-T-C.
Other names: c.-34T>C (NM_001278503.2); c.-188-1177T>C (NM_001278504.2).
Identifiers: ClinVar variation 385817 (VCV000385817.1), dbSNP rs746310795, ClinGen allele CA6348713.